The following is an entry in ClinVar:

ClinVar aggregate classification (germline): Uncertain significance (1 of 4 stars; one submission).

gnomAD v4.1: 2 of 1,614,194 alleles (0.00012%); highest among the groups gnomAD compares: Non-Finnish European, 0.00017%; no homozygotes.

Submission:

GeneDx
Classification: Uncertain significance. Last evaluated: 2025-05-19. Review status: criteria provided, single submitter. Criteria: GeneDx Variant Classification Process June 2021. Collection method: clinical testing. Allele origin: germline. Affected: yes.
Comment: Not observed at significant frequency in large population cohorts (gnomAD); In silico analysis supports that this missense variant has a deleterious effect on protein structure/function; Has not been previously published as pathogenic or benign to our knowledge

NM_001394062.1(MACF1):c.1181A>G (p.Asn394Ser)

Gene: MACF1 (microtubule actin crosslinking factor 1; plus strand). Cytogenetic location: 1p34.3.
Variant type: single nucleotide variant.
Coding change: c.1181A>G on transcript NM_001394062.1 (MANE Select); coding-DNA position 1181, A replaced by G.
Protein change: p.Asn394Ser; replaces asparagine 394 with serine.
Molecular consequence: missense variant.
Genome position (GRCh38, 1-based): chr1:39,285,132, A>G. VCF-style: chr1-39285132-A-G. GRCh37 (hg19) VCF-style: chr1-39750804-A-G.
Other names: c.1196A>G, p.Asn399Ser (NM_012090.5); short protein forms N394S, N399S.
Identifiers: ClinVar variation 4531014 (VCV004531014.1).